The following is an entry in ClinVar:

ClinVar aggregate classification (germline): Uncertain significance. Review status: criteria provided, multiple submitters, no conflicts (2 of 4 stars). 2 submissions from 2 submitters: Uncertain significance (2). Last evaluated 2025-10-23.

Conditions:
Hereditary cancer-predisposing syndrome. Also called: Tumor predisposition; Hereditary neoplastic syndrome; Neoplastic Syndromes, Hereditary; Hereditary Cancer Syndrome. Identifiers: Orphanet 140162, MedGen C0027672, MeSH D009386, MONDO:0015356.
Familial adenomatous polyposis 1 (FAP1). Also called: FAMILIAL ADENOMATOUS POLYPOSIS 1, ATTENUATED; POLYPOSIS, ADENOMATOUS INTESTINAL. Identifiers: MedGen C2713442, MONDO:0021056, OMIM 175100. Disease mechanism: loss of function.

Submissions (2):

Ambry Genetics
Classification: Uncertain significance for Hereditary cancer-predisposing syndrome. Last evaluated: 2025-10-23. Review status: criteria provided, single submitter. Criteria: Ambry Variant Classification Scheme 2023. Collection method: clinical testing. Allele origin: germline.
Comment: The p.C2664Y variant (also known as c.7991G>A), located in coding exon 15 of the APC gene, results from a G to A substitution at nucleotide position 7991. The cysteine at codon 2664 is replaced by tyrosine, an amino acid with highly dissimilar properties. This amino acid position is conserved. In addition, in silico predictors for this gene do not accurately predict pathogenicity. Based on the available evidence, the clinical significance of this variant remains unclear.

Labcorp Genetics (formerly Invitae), Labcorp
Classification: Uncertain significance for Familial adenomatous polyposis 1. Last evaluated: 2020-12-22. Review status: criteria provided, single submitter. Criteria: Invitae Variant Classification Sherloc (09022015). Collection method: clinical testing. Allele origin: germline.
Comment: Algorithms developed to predict the effect of missense changes on protein structure and function are either unavailable or do not agree on the potential impact of this missense change (SIFT: "Deleterious"; PolyPhen-2: "Probably Damaging"; Align-GVGD: "Class C0"). This sequence change replaces cysteine with tyrosine at codon 2664 of the APC protein (p.Cys2664Tyr). The cysteine residue is highly conserved and there is a large physicochemical difference between cysteine and tyrosine. This variant is not present in population databases (ExAC no frequency). This variant has not been reported in the literature in individuals with APC-related conditions. In summary, the available evidence is currently insufficient to determine the role of this variant in disease. Therefore, it has been classified as a Variant of Uncertain Significance.

NM_000038.6(APC):c.7991G>A (p.Cys2664Tyr)

Gene: APC (APC regulator of Wnt signaling pathway; plus strand). Cytogenetic location: 5q22.2.
Variant type: single nucleotide variant.
Coding change: c.7991G>A on transcript NM_000038.6 (MANE Select); coding-DNA position 7991, G replaced by A.
Protein change: p.Cys2664Tyr; replaces cysteine 2664 with tyrosine.
Molecular consequence: missense variant.
Genome position (GRCh38, 1-based): chr5:112,843,585, G>A. VCF-style: chr5-112843585-G-A. GRCh37 (hg19) VCF-style: chr5-112179282-G-A.
Other names: c.7991G>A (NM_000038.5); c.7991G>A, p.Cys2664Tyr (NM_001127510.3, NM_001354895.2); c.7937G>A, p.Cys2646Tyr (NM_001127511.3); c.8045G>A, p.Cys2682Tyr (NM_001354896.2); c.8021G>A, p.Cys2674Tyr (NM_001354897.2); c.7916G>A, p.Cys2639Tyr (NM_001354898.2); c.7907G>A, p.Cys2636Tyr (NM_001354899.2); c.7868G>A, p.Cys2623Tyr (NM_001354900.2); and 6 more; short protein forms C2504Y, C2538Y, C2636Y, C2563Y, C2605Y, C2623Y, C2639Y, C2646Y.
Identifiers: ClinVar variation 1496036 (VCV001496036.9), dbSNP rs2149997527, ClinGen allele CA16038688.
Genomic context (GRCh38, chr5:112,843,585, plus strand): 5'-TTTATCAAATGGCACCTGCTGTTTCTAAAACAGAGGATGTTTGGGTGAGAATTGAGGACT[G>A]TCCCATTAACAATCCTAGATCTGGAAGATCTCCCACAGGTAATACTCCCCCGGTGATTGA-3'
Protein context (NP_000029.2, residues 2654-2674): TEDVWVRIED[Cys2664Tyr]PINNPRSGRS